The following is an entry in ClinVar:

NM_001009944.3(PKD1):c.7500C>T (p.Asp2500=)

Gene: PKD1 (polycystin 1, transient receptor potential channel interacting; minus strand). Cytogenetic location: 16p13.3.
Variant type: single nucleotide variant.
Coding change: c.7500C>T on transcript NM_001009944.3 (MANE Select); coding-DNA position 7500, C replaced by T.
Protein change: p.Asp2500=; no amino-acid change (aspartic acid 2500 retained).
Molecular consequence: synonymous variant.
Genome position (GRCh38, 1-based): chr16:2,106,294, G>A on the plus strand (C>T on the coding strand, the complement: PKD1 is on the minus strand). VCF-style: chr16-2106294-G-A. GRCh37 (hg19) VCF-style: chr16-2156295-G-A.
Other names: c.7500C>T, p.Asp2500= (NM_000296.4).
Identifiers: ClinVar variation 3353178 (VCV003353178.1).

ClinVar aggregate classification (germline): Likely benign (0 of 4 stars; one submission).

Conditions:
PKD1-related disorder. Also called: PKD1-related condition.

gnomAD v4.1: 19 of 1,609,592 alleles (0.0012%); highest among the groups gnomAD compares: African/African-American, 0.004%; no homozygotes.

Submission:

PreventionGenetics, part of Exact Sciences
Classification: Likely benign for PKD1-related condition. Last evaluated: 2024-09-20. Review status: no assertion criteria provided. Collection method: clinical testing. Allele origin: germline.
Comment: This variant is classified as likely benign based on ACMG/AMP sequence variant interpretation guidelines (Richards et al. 2015 PMID: 25741868, with internal and published modifications).